The following is an entry in ClinVar:

NM_014425.5(INVS):c.3028G>A (p.Glu1010Lys)

Gene: INVS (inversin; plus strand). Cytogenetic location: 9q31.1.
Variant type: single nucleotide variant.
Coding change: c.3028G>A on transcript NM_014425.5 (MANE Select); coding-DNA position 3028, G replaced by A.
Protein change: p.Glu1010Lys; replaces glutamic acid 1010 with lysine.
Molecular consequence: missense variant. On other transcripts: non-coding transcript variant (1).
Genome position (GRCh38, 1-based): chr9:100,297,947, G>A. VCF-style: chr9-100297947-G-A. GRCh37 (hg19) VCF-style: chr9-103060229-G-A.
Other names: c.2740G>A, p.Glu914Lys (NM_001318381.2); c.2050G>A, p.Glu684Lys (NM_001318382.2); c.3028G>A (NM_014425.4); short protein forms E1010K, E684K, E914K.
Identifiers: ClinVar variation 593504 (VCV000593504.18), dbSNP rs375774619, ClinGen allele CA5158773.

ClinVar aggregate classification (germline): Uncertain significance. Review status: criteria provided, multiple submitters, no conflicts (2 of 4 stars). 5 submissions from 5 submitters: Uncertain significance (5). Last evaluated 2026-06-30.

Conditions:
INVS-related disorder. Also called: INVS-related condition.
Nephronophthisis. Also called: Juvenile Nephronophthisis. Identifiers: Orphanet 655, MedGen C0687120, MONDO:0019005, HP:0000090.
Infantile nephronophthisis (NPHP2). Also called: Nephronophthisis 2, infantile; Nephronophthisis 2. Identifiers: Orphanet 655, Orphanet 93591, MedGen C1865872, MONDO:0011190, OMIM 602088.

Allele frequency attached by ClinVar (database versions not stated): gnomAD 0.00003 and 0.00004; TOPMed 0.00004.
gnomAD v4.1: 80 of 1,614,024 alleles (0.005%); highest among the groups gnomAD compares: Middle Eastern, 0.15%; 2 homozygotes.

Submissions (5):

PreventionGenetics, part of Exact Sciences
Classification: Uncertain significance for INVS-related condition. Last evaluated: 2026-06-30. Review status: criteria provided, single submitter. Criteria: ACMG Guidelines, 2015. Collection method: clinical testing. Allele origin: germline.
Comment: The INVS c.3028G>A variant is predicted to result in the amino acid substitution p.Glu1010Lys. To our knowledge, this variant has not been reported in the literature. This variant is reported in 0.089% of alleles in individuals of Ashkenazi Jewish descent in gnomAD. Although we suspect that this variant may be benign, the clinical significance of this variant is classified as uncertain at this time due to insufficient functional and genetic evidence.

Labcorp Genetics (formerly Invitae), Labcorp
Classification: Uncertain significance for Nephronophthisis. Last evaluated: 2025-12-11. Review status: criteria provided, single submitter. Criteria: Invitae Variant Classification Sherloc (09022015). Collection method: clinical testing. Allele origin: germline.
Comment: This sequence change replaces glutamic acid, which is acidic and polar, with lysine, which is basic and polar, at codon 1010 of the INVS protein (p.Glu1010Lys). This variant is present in population databases (rs375774619, gnomAD 0.09%), including at least one homozygous and/or hemizygous individual. This variant has not been reported in the literature in individuals affected with INVS-related conditions. ClinVar contains an entry for this variant (Variation ID: 593504). An algorithm developed to predict the effect of missense changes on protein structure and function (PolyPhen-2) suggests that this variant is likely to be tolerated. In summary, the available evidence is currently insufficient to determine the role of this variant in disease. Therefore, it has been classified as a Variant of Uncertain Significance.

Fulgent Genetics
Classification: Uncertain significance for Infantile nephronophthisis. Last evaluated: 2024-03-25. Review status: criteria provided, single submitter. Criteria: ACMG Guidelines, 2015. Collection method: clinical testing. Allele origin: germline.

Eurofins Ntd Llc (ga)
Classification: Uncertain significance. Last evaluated: 2018-03-23. Review status: criteria provided, single submitter. Criteria: EGL ClinVar v180209 classification definitions. Collection method: clinical testing. Allele origin: germline. Observed: 3 variant alleles, 3 heterozygotes.

Illumina Laboratory Services, Illumina
Classification: Uncertain significance for Infantile nephronophthisis. Last evaluated: 2018-01-13. Review status: criteria provided, single submitter. Criteria: ICSL Variant Classification Criteria 13 December 2019. Collection method: clinical testing. Allele origin: germline.